The following is an entry in ClinVar:

ClinVar aggregate classification (germline): Uncertain significance (1 of 4 stars; one submission).

Submission:

Labcorp Genetics (formerly Invitae), Labcorp
Classification: Uncertain significance. Last evaluated: 2022-04-04. Review status: criteria provided, single submitter. Criteria: Invitae Variant Classification Sherloc (09022015). Collection method: clinical testing. Allele origin: germline.
Comment: This sequence change falls in intron 13 of the ANKRD26 gene. It does not directly change the encoded amino acid sequence of the ANKRD26 protein. This variant is not present in population databases (gnomAD no frequency). This variant has not been reported in the literature in individuals affected with ANKRD26-related conditions. Algorithms developed to predict the effect of sequence changes on RNA splicing suggest that this variant may disrupt the consensus splice site. In summary, the available evidence is currently insufficient to determine the role of this variant in disease. Therefore, it has been classified as a Variant of Uncertain Significance.

NM_014915.3(ANKRD26):c.1462+12A>G

Gene: ANKRD26 (ankyrin repeat domain 26; minus strand). Cytogenetic location: 10p12.1.
Variant type: single nucleotide variant.
Coding change: c.1462+12A>G on transcript NM_014915.3 (MANE Select); 12 bases into the intron after coding-DNA position 1462, A replaced by G.
Molecular consequence: intron variant.
Genome position (GRCh38, 1-based): chr10:27,061,132, T>C on the plus strand (A>G on the coding strand, the complement: ANKRD26 is on the minus strand). VCF-style: chr10-27061132-T-C. GRCh37 (hg19) VCF-style: chr10-27350061-T-C.
Other names: c.1462+12A>G (NM_001256053.2).
Identifiers: ClinVar variation 2113083 (VCV002113083.4), dbSNP rs2538988782, ClinGen allele CA2580081590.